The following is an entry in ClinVar:

ClinVar aggregate classification (germline): Uncertain significance (1 of 4 stars; one submission).

Conditions:
Inborn genetic diseases. Identifiers: MedGen C0950123, MeSH D030342.

Submission:

Ambry Genetics
Classification: Uncertain significance for Inborn genetic diseases. Last evaluated: 2025-06-07. Review status: criteria provided, single submitter. Criteria: Ambry Variant Classification Scheme 2023. Collection method: clinical testing. Allele origin: germline.
Comment: The p.M612R variant (also known as c.1835T>G), located in coding exon 18 of the ANKRD26 gene, results from a T to G substitution at nucleotide position 1835. The methionine at codon 612 is replaced by arginine, an amino acid with similar properties. This amino acid position is conserved. In addition, this alteration is predicted to be tolerated by in silico analysis. Based on the available evidence, the clinical significance of this variant remains unclear.

NM_014915.3(ANKRD26):c.1835T>G (p.Met612Arg)

Gene: ANKRD26 (ankyrin repeat domain containing 26; minus strand). Cytogenetic location: 10p12.1.
Variant type: single nucleotide variant.
Coding change: c.1835T>G on transcript NM_014915.3 (MANE Select); coding-DNA position 1835, T replaced by G.
Protein change: p.Met612Arg; replaces methionine 612 with arginine.
Molecular consequence: missense variant.
Genome position (GRCh38, 1-based): chr10:27,046,503, A>C on the plus strand (T>G on the coding strand, the complement: ANKRD26 is on the minus strand). VCF-style: chr10-27046503-A-C. GRCh37 (hg19) VCF-style: chr10-27335432-A-C.
Other names: c.1832T>G, p.Met611Arg (NM_001256053.2); short protein forms M612R, M611R.
Identifiers: ClinVar variation 3912230 (VCV003912230.1).